The following is an entry in ClinVar:

ClinVar aggregate classification (germline): Uncertain significance (1 of 4 stars; one submission).

Conditions:
Joubert syndrome 22 (JBTS22). Identifiers: Orphanet 2754, MedGen C3810278, MONDO:0014297, OMIM 615665.

gnomAD v4.1: 15 of 1,610,796 alleles (0.00093%); highest among the groups gnomAD compares: South Asian, 0.0044%; no homozygotes.

Submission:

Labcorp Genetics (formerly Invitae), Labcorp
Classification: Uncertain significance for Joubert syndrome 22. Last evaluated: 2024-11-11. Review status: criteria provided, single submitter. Criteria: Invitae Variant Classification Sherloc (09022015). Collection method: clinical testing. Allele origin: germline.
Comment: This sequence change replaces arginine, which is basic and polar, with histidine, which is basic and polar, at codon 48 of the PDE6D protein (p.Arg48His). This variant is present in population databases (rs767716256, gnomAD 0.003%). This variant has not been reported in the literature in individuals affected with PDE6D-related conditions. An algorithm developed to predict the effect of missense changes on protein structure and function (PolyPhen-2) suggests that this variant is likely to be tolerated. In summary, the available evidence is currently insufficient to determine the role of this variant in disease. Therefore, it has been classified as a Variant of Uncertain Significance.

NM_002601.4(PDE6D):c.143G>A (p.Arg48His)

Gene: PDE6D (phosphodiesterase 6D; minus strand). Cytogenetic location: 2q37.1.
Variant type: single nucleotide variant.
Coding change: c.143G>A on transcript NM_002601.4 (MANE Select); coding-DNA position 143, G replaced by A.
Protein change: p.Arg48His; replaces arginine 48 with histidine.
Molecular consequence: missense variant.
Genome position (GRCh38, 1-based): chr2:231,738,135, C>T on the plus strand (G>A on the coding strand, the complement: PDE6D is on the minus strand). VCF-style: chr2-231738135-C-T. GRCh37 (hg19) VCF-style: chr2-232602845-C-T.
Other names: c.143G>A, p.Arg48His (NM_001291018.2); short protein forms R48H.
Identifiers: ClinVar variation 3713605 (VCV003713605.2).
Genomic context (GRCh38, chr2:231,738,135, plus strand): 5'-GTCGAAGAAAAATTAAGTTCTCGAGACACTGCCTTGCACTTGAGGATTTTCTTGGGAACA[C>T]GGGCTGGTAAGAGAAAAACAAATGTTGAAGCCTTTCTAAATGAAAACCACAGGACTATGA-3'
Protein context (NP_002592.1, residues 38-58): LSVPGVEHEA[Arg48His]VPKKILKCKA